The following is an entry in ClinVar:

NM_001040108.2(MLH3):c.1609A>T (p.Met537Leu)

Gene: MLH3 (mutL homolog 3; minus strand). Cytogenetic location: 14q24.3.
Variant type: single nucleotide variant.
Coding change: c.1609A>T on transcript NM_001040108.2 (MANE Select); coding-DNA position 1609, A replaced by T.
Protein change: p.Met537Leu; replaces methionine 537 with leucine.
Molecular consequence: missense variant.
Genome position (GRCh38, 1-based): chr14:75,048,047, T>A on the plus strand (A>T on the coding strand, the complement: MLH3 is on the minus strand). VCF-style: chr14-75048047-T-A. GRCh37 (hg19) VCF-style: chr14-75514750-T-A.
Other names: c.1609A>T, p.Met537Leu (NM_014381.3); short protein forms M537L.
Identifiers: ClinVar variation 1776346 (VCV001776346.3), dbSNP rs2503291127, ClinGen allele CA390444866.

ClinVar aggregate classification (germline): Uncertain significance. Review status: criteria provided, multiple submitters, no conflicts (2 of 4 stars). 2 submissions from 2 submitters: Uncertain significance (2). Last evaluated 2025-09-15.

Conditions:
Colorectal cancer, hereditary nonpolyposis, type 7. Identifiers: Orphanet 144, MedGen C1858380, MONDO:0013725, OMIM 614385.

Submissions (2):

Labcorp Genetics (formerly Invitae), Labcorp
Classification: Uncertain significance for Colorectal cancer, hereditary nonpolyposis, type 7. Last evaluated: 2025-09-15. Review status: criteria provided, single submitter. Criteria: Invitae Variant Classification Sherloc (09022015). Collection method: clinical testing. Allele origin: germline.
Comment: This sequence change replaces methionine, which is neutral and non-polar, with leucine, which is neutral and non-polar, at codon 537 of the MLH3 protein (p.Met537Leu). This variant is not present in population databases (gnomAD no frequency). This variant has not been reported in the literature in individuals affected with MLH3-related conditions. ClinVar contains an entry for this variant (Variation ID: 1776346). An algorithm developed to predict the effect of missense changes on protein structure and function (PolyPhen-2) suggests that this variant is likely to be tolerated. In summary, the available evidence is currently insufficient to determine the role of this variant in disease. Therefore, it has been classified as a Variant of Uncertain Significance.

Ambry Genetics
Classification: Uncertain significance. Last evaluated: 2022-08-08. Review status: criteria provided, single submitter. Criteria: Ambry Variant Classification Scheme 2023. Collection method: clinical testing. Allele origin: germline.
Comment: The p.M537L variant (also known as c.1609A>T), located in coding exon 1 of the MLH3 gene, results from an A to T substitution at nucleotide position 1609. The methionine at codon 537 is replaced by leucine, an amino acid with highly similar properties. This amino acid position is conserved. In addition, this alteration is predicted to be tolerated by in silico analysis. Since supporting evidence is limited at this time, the clinical significance of this alteration remains unclear.